The following is an entry in ClinVar:

NM_020706.2(SCAF4):c.220C>T (p.Arg74Cys)

Gene: SCAF4 (SR-related CTD associated factor 4; minus strand). Cytogenetic location: 21q22.11.
Variant type: single nucleotide variant.
Coding change: c.220C>T on transcript NM_020706.2 (MANE Select); coding-DNA position 220, C replaced by T.
Protein change: p.Arg74Cys; replaces arginine 74 with cysteine.
Molecular consequence: missense variant.
Genome position (GRCh38, 1-based): chr21:31,703,866, G>A on the plus strand (C>T on the coding strand, the complement: SCAF4 is on the minus strand). VCF-style: chr21-31703866-G-A. GRCh37 (hg19) VCF-style: chr21-33076179-G-A.
Other names: c.175C>T, p.Arg59Cys (NM_001145444.1); c.220C>T, p.Arg74Cys (NM_001145445.1); short protein forms R74C, R59C.
Identifiers: ClinVar variation 2316804 (VCV002316804.2), dbSNP rs2516811408, ClinGen allele CA410051314.

ClinVar aggregate classification (germline): Uncertain significance (1 of 4 stars; one submission).

Conditions:
Inborn genetic diseases. Identifiers: MedGen C0950123, MeSH D030342.

Submission:

Ambry Genetics
Classification: Uncertain significance for Inborn genetic diseases. Last evaluated: 2022-11-04. Review status: criteria provided, single submitter. Criteria: Ambry Variant Classification Scheme 2023. Collection method: clinical testing. Allele origin: germline.
Comment: The c.220C>T (p.R74C) alteration is located in exon 4 (coding exon 4) of the SCAF4 gene. This alteration results from a C to T substitution at nucleotide position 220, causing the arginine (R) at amino acid position 74 to be replaced by a cysteine (C). This variant was not reported in population-based cohorts in the Genome Aggregation Database (gnomAD). This amino acid position is highly conserved in available vertebrate species. This missense alteration is located in a region that has a low rate of benign missense variation (Lek, 2016; Firth, 2009). The in silico prediction for this alteration is inconclusive. Based on insufficient or conflicting evidence, the clinical significance of this alteration remains unclear.